The following is an entry in ClinVar:

ClinVar aggregate classification (germline): Pathogenic/Likely pathogenic. Review status: criteria provided, multiple submitters, no conflicts (2 of 4 stars). 2 submissions from 2 submitters: Pathogenic (1); Likely pathogenic (1). Last evaluated 2023-05-14.

Conditions:
Glycogen storage disease type III (GSD3). Also called: Cori disease; FORBES DISEASE. Identifiers: Orphanet 366, MedGen C0017922, MONDO:0009291, OMIM 232400.

Submissions (2):

Baylor Genetics
Classification: Likely pathogenic for Glycogen storage disease type III. Last evaluated: 2023-05-14. Review status: criteria provided, single submitter. Criteria: ACMG Guidelines, 2015. Collection method: clinical testing. Allele origin: unknown.

Labcorp Genetics (formerly Invitae), Labcorp
Classification: Pathogenic for Glycogen storage disease type III. Last evaluated: 2020-06-10. Review status: criteria provided, single submitter. Criteria: Invitae Variant Classification Sherloc (09022015). Collection method: clinical testing. Allele origin: germline.
Comment: This sequence change creates a premature translational stop signal (p.Gly1367Glufs*17) in the AGL gene. It is expected to result in an absent or disrupted protein product. This variant is present in population databases (rs777120567, ExAC 0.001%). This variant has not been reported in the literature in individuals with AGL-related conditions. Loss-of-function variants in AGL are known to be pathogenic (PMID: 19299494). For these reasons, this variant has been classified as Pathogenic.

Literature cited by the submitters: PubMed 19299494 (cited by Labcorp Genetics (formerly Invitae), Labcorp).

NM_000642.3(AGL):c.4100del (p.Gly1367fs)

Gene: AGL (amylo-alpha-1,6-glucosidase and 4-alpha-glucanotransferase; plus strand). Cytogenetic location: 1p21.2.
Variant type: Deletion.
Coding change: c.4100del on transcript NM_000642.3 (MANE Select); coding-DNA position 4100, one base deleted (G; older notation c.4100delG).
Protein change: p.Gly1367fs; shifts the reading frame from glycine 1367.
Molecular consequence: frameshift variant.
Genome position (GRCh38, 1-based): chr1:99,913,677, G deleted; the last of 2 consecutive G bases (chr1:99,913,676-99,913,677); deleting either gives the same sequence. VCF-style (leftmost placement, unchanged base first): chr1-99913675-TG-T. GRCh37 (hg19) VCF-style: chr1-100379231-TG-T.
Other names: c.4100del (NM_000642.2); c.4100delG, p.Gly1367Glufs (NM_000643.3, NM_000644.3, NM_001425325.1 and 1 more transcripts); c.4052delG, p.Gly1351Glufs (NM_000646.3); c.4079delG, p.Gly1360Glufs (NM_001425326.1); c.3899delG, p.Gly1300Glufs (NM_001425327.1); c.3896delG, p.Gly1299Glufs (NM_001425328.1); c.3761delG, p.Gly1254Glufs (NM_001425329.1); c.3722delG, p.Gly1241Glufs (NM_001425332.1); short protein forms G1351fs, G1367fs.
Identifiers: ClinVar variation 1075419 (VCV001075419.8), dbSNP rs777120567, ClinGen allele CA967302.